The following is an entry in ClinVar:

ClinVar aggregate classification (germline): Benign. Review status: criteria provided, multiple submitters, no conflicts (2 of 4 stars). 4 submissions from 4 submitters: Benign (4). Last evaluated 2026-02-04.

Conditions:
Hypoalphalipoproteinemia, primary, 1. Identifiers: Orphanet 425, MedGen C5231558, MONDO:0011393, OMIM 604091.
Tangier disease (TGD). Also called: HIGH DENSITY LIPOPROTEIN DEFICIENCY, TANGIER TYPE; HIGH DENSITY LIPOPROTEIN DEFICIENCY, TYPE 1; Cholesterol thesaurismosis. Identifiers: Orphanet 31150, MedGen C0039292, MONDO:0008783, OMIM 205400.

Allele frequency attached by ClinVar (database versions not stated): gnomAD exomes 0.07910 and 0.10350; ESP Exome Variant Server 0.10562; gnomAD 0.10846 and 0.11146; ExAC 0.11242; TOPMed 0.12259; 1000 Genomes Project 30x 0.16927; 1000 Genomes Project 0.17312.

Submissions (11):

Labcorp Genetics (formerly Invitae), Labcorp
Classification: Benign. Last evaluated: 2026-02-04. Review status: criteria provided, single submitter. Criteria: Invitae Variant Classification Sherloc (09022015). Collection method: clinical testing. Allele origin: germline.

Fulgent Genetics
Classification: Benign for Tangier disease; Hypoalphalipoproteinemia, primary, 1. Last evaluated: 2021-08-11. Review status: criteria provided, single submitter. Criteria: ACMG Guidelines, 2015. Collection method: clinical testing. Allele origin: unknown.

Women's Health and Genetics/Laboratory Corporation of America, LabCorp
Classification: Benign. Last evaluated: 2019-08-13. Review status: criteria provided, single submitter. Criteria: LabCorp Variant Classification Summary - May 2015. Collection method: clinical testing. Allele origin: germline.
Comment: Variant summary: ABCA1 c.814-14dupA alters a nucleotide located close to a canonical splice site and therefore could affect mRNA splicing, leading to a significantly altered protein sequence. 5/5 computational tools predict no significant impact on normal splicing. A functional study, Bocchi_2010, supports these predictions. The variant allele was found at a frequency of 0.1 in 279766 control chromosomes, predominantly at a frequency of 0.43 within the East Asian subpopulation in the gnomAD database, including 1836 homozygotes. The observed variant frequency within East Asian control individuals in the gnomAD database is approximately 34400-folds over the estimated maximal expected allele frequency for a pathogenic variant in ABCA1 causing Early Onset Coronary Artery Disease phenotype (1.3e-05), strongly suggesting that the variant is a benign polymorphism found primarily in populations of East Asian origin. A ClinVar submission (evaluation after 2014) cites the variant as benign. Based on the evidence outlined above, the variant was classified as benign.

GeneDx
Classification: Benign. Last evaluated: 2018-09-21. Review status: criteria provided, single submitter. Criteria: GeneDx Variant Classification Process June 2021. Collection method: clinical testing. Allele origin: germline. Affected: yes.

Dr. Peter K. Rogan Lab, Western University
No classification provided (evidence only). Condition: Chronic lymphocytic leukemia/small lymphocytic lymphoma. Review status: no classification provided. Collection method: in vitro. Allele origin: not applicable. Functional consequence: retained intron. Not counted in ClinVar's aggregate classification.

Dr. Peter K. Rogan Lab, Western University
No classification provided (evidence only). Condition: Chronic lymphocytic leukemia/small lymphocytic lymphoma. Review status: no classification provided. Collection method: in vitro. Allele origin: not applicable. Functional consequence: retained intron. Not counted in ClinVar's aggregate classification.

Dr. Peter K. Rogan Lab, Western University
No classification provided (evidence only). Condition: Chronic lymphocytic leukemia/small lymphocytic lymphoma. Review status: no classification provided. Collection method: in vitro. Allele origin: not applicable. Functional consequence: retained intron. Not counted in ClinVar's aggregate classification.

Dr. Peter K. Rogan Lab, Western University
No classification provided (evidence only). Condition: Nonpapillary renal cell carcinoma. Review status: no classification provided. Collection method: in vitro. Allele origin: not applicable. Functional consequence: retained intron. Not counted in ClinVar's aggregate classification.

Dr. Peter K. Rogan Lab, Western University
No classification provided (evidence only). Condition: Nonpapillary renal cell carcinoma. Review status: no classification provided. Collection method: in vitro. Allele origin: not applicable. Functional consequence: retained intron. Not counted in ClinVar's aggregate classification.

Dr. Peter K. Rogan Lab, Western University
No classification provided (evidence only). Condition: Lymphoma. Review status: no classification provided. Collection method: in vitro. Allele origin: not applicable. Functional consequence: retained intron. Not counted in ClinVar's aggregate classification.

Dr. Peter K. Rogan Lab, Western University
No classification provided (evidence only). Condition: Lymphoma. Review status: no classification provided. Collection method: in vitro. Allele origin: not applicable. Functional consequence: retained intron. Not counted in ClinVar's aggregate classification.

Literature cited by the submitters: PubMed 20093111 (cited by Women's Health and Genetics/Laboratory Corporation of America, LabCorp).

NM_005502.4(ABCA1):c.814-14dup

Gene: ABCA1 (ATP binding cassette subfamily A member 1; minus strand). Cytogenetic location: 9q31.1.
Variant type: Duplication.
Coding change: c.814-14dup on transcript NM_005502.4 (MANE Select); 14 bases into the intron before coding-DNA position 814, one base duplicated (A; older notation c.814-14dupA).
Molecular consequence: intron variant.
Genome position (GRCh38, 1-based): chr9:104,840,533, T duplicated on the plus strand (A on the coding strand, the reverse complement: ABCA1 is on the minus strand). VCF-style (leftmost placement, unchanged base first): chr9-104840532-A-AT. GRCh37 (hg19) VCF-style: chr9-107602813-A-AT.
Other names: NC_000009.11:g.107602814dup; c.814-14dup (NM_005502.3).
Identifiers: ClinVar variation 364453 (VCV000364453.22), dbSNP rs2067484, ClinGen allele CA5169188.
Genomic context (GRCh38, chr9:104,840,532, plus strand): 5'-AAACATCACCTCCTGTCGCATGTCACTCCAGCTTCTCATGCTGAACAGCTGGCGTCAGGG[A>AT]TGGGGACAGAAAGGAGGGTAGGGGAAGGGAGAAAAGGGCAGTGCAAGGGTTGGGGATGAG-3'